The following is an entry in ClinVar:

ClinVar aggregate classification (germline): Uncertain significance. Review status: criteria provided, multiple submitters, no conflicts (2 of 4 stars). 2 submissions from 2 submitters: Uncertain significance (2). Last evaluated 2025-08-01.

Conditions:
Inborn genetic diseases. Identifiers: MedGen C0950123, MeSH D030342.
Dextro-looped transposition of the great arteries. Also called: Dextrotransposition of the great arteries. Identifiers: Orphanet 860, MedGen C3531771, MONDO:0019443, OMIM 608808, HP:0031348.

gnomAD v4.1: 1 of 1,614,184 alleles (0.000062%); highest among the groups gnomAD compares: Non-Finnish European, 0.000085%; no homozygotes.

Submissions (2):

Ambry Genetics
Classification: Uncertain significance for Inborn genetic diseases. Last evaluated: 2025-08-01. Review status: criteria provided, single submitter. Criteria: Ambry Variant Classification Scheme 2023. Collection method: clinical testing. Allele origin: germline.

Labcorp Genetics (formerly Invitae), Labcorp
Classification: Uncertain significance for Dextro-looped transposition of the great arteries. Last evaluated: 2025-06-04. Review status: criteria provided, single submitter. Criteria: Invitae Variant Classification Sherloc (09022015). Collection method: clinical testing. Allele origin: germline.
Comment: This sequence change replaces leucine, which is neutral and non-polar, with serine, which is neutral and polar, at codon 1548 of the MED13L protein (p.Leu1548Ser). This variant is not present in population databases (gnomAD no frequency). This variant has not been reported in the literature in individuals affected with MED13L-related conditions. ClinVar contains an entry for this variant (Variation ID: 3707742). Invitae Evidence Modeling of protein sequence and biophysical properties (such as structural, functional, and spatial information, amino acid conservation, physicochemical variation, residue mobility, and thermodynamic stability) indicates that this missense variant is not expected to disrupt MED13L protein function with a negative predictive value of 80%. In summary, the available evidence is currently insufficient to determine the role of this variant in disease. Therefore, it has been classified as a Variant of Uncertain Significance.

NM_015335.5(MED13L):c.4643T>C (p.Leu1548Ser)

Gene: MED13L (mediator complex subunit 13L; minus strand). Cytogenetic location: 12q24.21.
Variant type: single nucleotide variant.
Coding change: c.4643T>C on transcript NM_015335.5 (MANE Select); coding-DNA position 4643, T replaced by C.
Protein change: p.Leu1548Ser; replaces leucine 1548 with serine.
Molecular consequence: missense variant.
Genome position (GRCh38, 1-based): chr12:115,983,429, A>G on the plus strand (T>C on the coding strand, the complement: MED13L is on the minus strand). VCF-style: chr12-115983429-A-G. GRCh37 (hg19) VCF-style: chr12-116421234-A-G.
Other names: c.4643T>C (NM_015335.4); short protein forms L1548S.
Identifiers: ClinVar variation 3707742 (VCV003707742.3).